The following is an entry in ClinVar:

ClinVar aggregate classification (germline): Uncertain significance (1 of 4 stars; one submission).

Conditions:
Ataxia-telangiectasia syndrome (AT). Also called: ATAXIA-TELANGIECTASIA, FRESNO VARIANT; Ataxia-telangiectasia, complementation group D; AT, COMPLEMENTATION GROUP C; Ataxia-telangiectasia; Ataxia-telangiectasia, complementation group E; Ataxia telangiectasia (A-T). Identifiers: Orphanet 100, MedGen C0004135, MONDO:0008840, OMIM 208900.

Allele frequency attached by ClinVar (database versions not stated): gnomAD exomes below 0.00001.

Submission:

Labcorp Genetics (formerly Invitae), Labcorp
Classification: Uncertain significance for Ataxia-telangiectasia syndrome. Last evaluated: 2023-03-02. Review status: criteria provided, single submitter. Criteria: Invitae Variant Classification Sherloc (09022015). Collection method: clinical testing. Allele origin: germline.
Comment: In summary, the available evidence is currently insufficient to determine the role of this variant in disease. Therefore, it has been classified as a Variant of Uncertain Significance. An algorithm developed to predict the effect of missense changes on protein structure and function (PolyPhen-2) suggests that this variant is likely to be tolerated. This variant has not been reported in the literature in individuals affected with ATM-related conditions. ClinVar contains an entry for this variant (Variation ID: 1060037). This sequence change replaces glutamine, which is neutral and polar, with arginine, which is basic and polar, at codon 162 of the ATM protein (p.Gln162Arg). This variant is present in population databases (no rsID available, gnomAD 0.006%).

NM_000051.4(ATM):c.485A>G (p.Gln162Arg)

Gene: ATM (ATM serine/threonine kinase; plus strand). Cytogenetic location: 11q22.3.
Variant type: single nucleotide variant.
Coding change: c.485A>G on transcript NM_000051.4 (MANE Select); coding-DNA position 485, A replaced by G.
Protein change: p.Gln162Arg; replaces glutamine 162 with arginine.
Molecular consequence: missense variant.
Genome position (GRCh38, 1-based): chr11:108,235,823, A>G. VCF-style: chr11-108235823-A-G. GRCh37 (hg19) VCF-style: chr11-108106550-A-G.
Other names: c.485A>G, p.Gln162Arg (NM_001351834.2); short protein forms Q162R.
Identifiers: ClinVar variation 1060037 (VCV001060037.7), dbSNP rs1285593159, ClinGen allele CA382525672.
Genomic context (GRCh38, chr11:108,235,823, plus strand): 5'-GCAACATACTACTCAAAGACATTCTTTCTGTGAGAAAATACTGGTGTGAAATATCTCAGC[A>G]ACAGTGGTTAGGTATGTTTTGAAGGTTGTTGTTTGTGAATTTTTCCTCATGAAATGAAAC-3'
Protein context (NP_000042.3, residues 152-172): VRKYWCEISQ[Gln162Arg]QWLELFSVYF